The following is an entry in ClinVar:

ClinVar aggregate classification (germline): Uncertain significance (1 of 4 stars; one submission).

gnomAD v4.1: 1 of 1,614,148 alleles (0.000062%); highest among the groups gnomAD compares: Non-Finnish European, 0.000085%; no homozygotes.

Submission:

Labcorp Genetics (formerly Invitae), Labcorp
Classification: Uncertain significance. Last evaluated: 2025-08-06. Review status: criteria provided, single submitter. Criteria: Invitae Variant Classification Sherloc (09022015). Collection method: clinical testing. Allele origin: germline.
Comment: This sequence change replaces alanine, which is neutral and non-polar, with glycine, which is neutral and non-polar, at codon 654 of the EMC1 protein (p.Ala654Gly). This variant is not present in population databases (gnomAD no frequency). This variant has not been reported in the literature in individuals affected with EMC1-related conditions. Invitae Evidence Modeling of protein sequence and biophysical properties (such as structural, functional, and spatial information, amino acid conservation, physicochemical variation, residue mobility, and thermodynamic stability) indicates that this missense variant is not expected to disrupt EMC1 protein function with a negative predictive value of 80%. In summary, the available evidence is currently insufficient to determine the role of this variant in disease. Therefore, it has been classified as a Variant of Uncertain Significance.

NM_015047.3(EMC1):c.1961C>G (p.Ala654Gly)

Genes: EMC1 (ER membrane protein complex subunit 1; minus strand), EMC1-AS1 (EMC1 antisense RNA 1; plus strand). Cytogenetic location: 1p36.13.
Variant type: single nucleotide variant.
Coding change: c.1961C>G on transcript NM_015047.3 (MANE Select); coding-DNA position 1961, C replaced by G.
Protein change: p.Ala654Gly; replaces alanine 654 with glycine.
Molecular consequence: missense variant.
Genome position (GRCh38, 1-based): chr1:19,230,947, G>C on the plus strand (C>G on the coding strand, the complement: EMC1 is on the minus strand). VCF-style: chr1-19230947-G-C. GRCh37 (hg19) VCF-style: chr1-19557441-G-C.
Other names: c.1958C>G, p.Ala653Gly (NM_001271427.2, NM_001271428.2); c.1895C>G, p.Ala632Gly (NM_001271429.2); c.1970C>G, p.Ala657Gly (NM_001375820.1); c.1967C>G, p.Ala656Gly (NM_001375821.1); short protein forms A654G, A632G, A653G, A656G, A657G.
Identifiers: ClinVar variation 4699041 (VCV004699041.1).